The following is an entry in ClinVar:

ClinVar aggregate classification (germline): Uncertain significance (1 of 4 stars; one submission).

Conditions:
Cardiomyopathy (CMYO). Also called: Cardiomyopathies. Identifiers: Orphanet 167848, MedGen C0878544, MONDO:0004994, HP:0001638. Inheritance: Various modes of inheritance.

Submission:

Color Diagnostics, LLC DBA Color Health
Classification: Uncertain significance for Cardiomyopathy. Last evaluated: 2025-03-24. Review status: criteria provided, single submitter. Criteria: ACMG Guidelines, 2015. Collection method: clinical testing. Allele origin: germline.
Comment: This missense variant replaces leucine with valine at codon 49 of the TNNI3 protein. Computational prediction suggests that this variant may have a deleterious impact on protein structure and function. To our knowledge, functional studies have not been reported for this variant. This variant has not been reported in individuals affected with TNNI3-related disorders in the literature. This variant has not been identified in the general population by the Genome Aggregation Database (gnomAD). The available evidence is insufficient to determine the role of this variant in disease conclusively. Therefore, this variant is classified as a Variant of Uncertain Significance.

NM_000363.5(TNNI3):c.145C>G (p.Leu49Val)

Gene: TNNI3 (troponin I3, cardiac type; minus strand). Cytogenetic location: 19q13.42.
Variant type: single nucleotide variant.
Coding change: c.145C>G on transcript NM_000363.5 (MANE Select); coding-DNA position 145, C replaced by G.
Protein change: p.Leu49Val; replaces leucine 49 with valine.
Molecular consequence: missense variant.
Genome position (GRCh38, 1-based): chr19:55,156,608, G>C on the plus strand (C>G on the coding strand, the complement: TNNI3 is on the minus strand). VCF-style: chr19-55156608-G-C. GRCh37 (hg19) VCF-style: chr19-55667976-G-C.
Other names: short protein forms L49V.
Identifiers: ClinVar variation 3894496 (VCV003894496.1).